The following is an entry in ClinVar:

NC_000014.8:g.(?_102514134)_(102516900_?)dup

Gene: DYNC1H1 (dynein cytoplasmic 1 heavy chain 1; plus strand). Cytogenetic location: 14q32.31.
Variant type: Duplication.
Identifiers: ClinVar variation 3244021 (VCV003244021.1).

ClinVar aggregate classification (germline): Uncertain significance (1 of 4 stars; one submission).

Conditions:
Charcot-Marie-Tooth disease axonal type 2O. Also called: CHARCOT-MARIE-TOOTH NEUROPATHY, AXONAL, TYPE 2O; CHARCOT-MARIE-TOOTH DISEASE, AXONAL, AUTOSOMAL DOMINANT, TYPE 2O; Charcot-Marie-Tooth Neuropathy Type 2O; Charcot-Marie-Tooth disease, axonal, type 20. Identifiers: Orphanet 284232, MedGen C3280220, MONDO:0013644, OMIM 614228.

Submission:

Labcorp Genetics (formerly Invitae), Labcorp
Classification: Uncertain significance for Charcot-Marie-Tooth disease axonal type 2O. Last evaluated: 2023-01-07. Review status: criteria provided, single submitter. Criteria: Invitae Variant Classification Sherloc (09022015). Collection method: clinical testing. Allele origin: unknown.
Comment: In summary, the available evidence is currently insufficient to determine the role of this variant in disease. Therefore, it has been classified as a Variant of Uncertain Significance. This variant has not been reported in the literature in individuals affected with DYNC1H1-related conditions. This variant results in a copy number gain of the genomic region encompassing exon(s) 73-78 of the DYNC1H1 gene. This region includes the termination codon of the gene. This copy number gain extends beyond the assayed region for this gene and therefore may encompass additional genes. As the precise location of this event is unknown, it may be in tandem or it may be located elsewhere in the genome.